The following is an entry in ClinVar:

NM_198510.3(ITIH6):c.3776G>T (p.Gly1259Val)

Gene: ITIH6 (inter-alpha-trypsin inhibitor heavy chain family member 6; minus strand). Cytogenetic location: Xp11.22.
Variant type: single nucleotide variant.
Coding change: c.3776G>T on transcript NM_198510.3 (MANE Select); coding-DNA position 3776, G replaced by T.
Protein change: p.Gly1259Val; replaces glycine 1259 with valine.
Molecular consequence: missense variant.
Genome position (GRCh38, 1-based): chrX:54,750,061, C>A on the plus strand (G>T on the coding strand, the complement: ITIH6 is on the minus strand). VCF-style: chrX-54750061-C-A. GRCh37 (hg19) VCF-style: chrX-54776494-C-A.
Other names: short protein forms G1259V.
Identifiers: ClinVar variation 4838691 (VCV004838691.1).

ClinVar aggregate classification (germline): Uncertain significance (1 of 4 stars; one submission).

gnomAD v4.1: 5 of 1,210,627 alleles (0.00041%); highest among the groups gnomAD compares: Non-Finnish European, 0.00045%; no homozygotes.

Submission:

Ambry Genetics
Classification: Uncertain significance. Last evaluated: 2025-12-30. Review status: criteria provided, single submitter. Criteria: Ambry Variant Classification Scheme 2023. Collection method: clinical testing. Allele origin: germline.
Comment: The c.3776G>T (p.G1259V) alteration is located in exon 13 (coding exon 13) of the ITIH6 gene. This alteration results from a G to T substitution at nucleotide position 3776, causing the glycine (G) at amino acid position 1259 to be replaced by a valine (V). Based on data from gnomAD, the T allele has an overall frequency of <0.001% (1/182038) total alleles studied. The highest observed frequency was 0.001% (1/81128) of European (non-Finnish) alleles. Based on insufficient or conflicting evidence, the clinical significance of this alteration remains unclear.